The following is an entry in ClinVar:

ClinVar aggregate classification (germline): Uncertain significance (1 of 4 stars; one submission).

Conditions:
Inborn genetic diseases. Identifiers: MedGen C0950123, MeSH D030342.

Submission:

Ambry Genetics
Classification: Uncertain significance for Inborn genetic diseases. Last evaluated: 2025-12-20. Review status: criteria provided, single submitter. Criteria: Ambry Variant Classification Scheme 2023. Collection method: clinical testing. Allele origin: germline.
Comment: The p.W1105R variant (also known as c.3313T>C), located in coding exon 1 of the SAMD9 gene, results from a T to C substitution at nucleotide position 3313. The tryptophan at codon 1105 is replaced by arginine, an amino acid with dissimilar properties. This amino acid position is conserved. In addition, the in silico prediction for this alteration is inconclusive. Based on the available evidence, the clinical significance of this variant remains unclear.

NM_017654.4(SAMD9):c.3313T>C (p.Trp1105Arg)

Gene: SAMD9 (sterile alpha motif domain containing 9; minus strand). Cytogenetic location: 7q21.2.
Variant type: single nucleotide variant.
Coding change: c.3313T>C on transcript NM_017654.4 (MANE Select); coding-DNA position 3313, T replaced by C.
Protein change: p.Trp1105Arg; replaces tryptophan 1105 with arginine.
Molecular consequence: missense variant.
Genome position (GRCh38, 1-based): chr7:93,102,785, A>G on the plus strand (T>C on the coding strand, the complement: SAMD9 is on the minus strand). VCF-style: chr7-93102785-A-G. GRCh37 (hg19) VCF-style: chr7-92732098-A-G.
Other names: c.3313T>C, p.Trp1105Arg (NM_001193307.2); short protein forms W1105R.
Identifiers: ClinVar variation 4843113 (VCV004843113.1).